The following is an entry in ClinVar:

ClinVar aggregate classification (germline): Conflicting classifications of pathogenicity. Review status: criteria provided, conflicting classifications (1 of 4 stars). 3 submissions from 3 submitters: Pathogenic (1); Likely pathogenic (1); Uncertain significance (1). Last evaluated 2022-02-09.

Conditions:
MYH7-related disorder. Also called: MYH7-related disorders; MYH7-related condition; MYH7-related disease.
Hypertrophic cardiomyopathy. Also called: HYPERTROPHIC MYOCARDIOPATHY. Identifiers: Orphanet 217569, MedGen C0007194, MeSH D002312, MONDO:0005045, HP:0001639.

Submissions (3):

Labcorp Genetics (formerly Invitae), Labcorp
Classification: Pathogenic for Hypertrophic cardiomyopathy. Last evaluated: 2022-02-09. Review status: criteria provided, single submitter. Criteria: Invitae Variant Classification Sherloc (09022015). Collection method: clinical testing. Allele origin: germline.
Comment: For these reasons, this variant has been classified as Pathogenic. This variant is found within a region of MYH7 between codons 181 and 937 that contains the majority of the myosin head domain. Missense variants in this region have been shown to be significantly overrepresented in individuals with hypertrophic cardiomyopathy (PMID: 27532257). Algorithms developed to predict the effect of missense changes on protein structure and function (SIFT, PolyPhen-2, Align-GVGD) all suggest that this variant is likely to be disruptive. ClinVar contains an entry for this variant (Variation ID: 575575). This missense change has been observed in individual(s) with MYH7-related conditions (PMID: 28855170, 32410215; Invitae). In at least one individual the variant was observed to be de novo. This variant is not present in population databases (gnomAD no frequency). This sequence change replaces arginine, which is basic and polar, with histidine, which is basic and polar, at codon 712 of the MYH7 protein (p.Arg712His).

Revvity Omics, Revvity
Classification: Uncertain significance. Last evaluated: 2020-12-28. Review status: criteria provided, single submitter. Criteria: ACMG Guidelines, 2015. Collection method: clinical testing. Allele origin: germline.

Blueprint Genetics
Classification: Likely pathogenic for MYH7-related disorders. Last evaluated: 2020-06-05. Review status: criteria provided, single submitter. Criteria: ACMG Guidelines, 2015. Collection method: clinical testing. Allele origin: de novo. Affected: yes. Observed: 1 variant allele.

Literature cited by the submitters: PubMed 27532257 (cited by Labcorp Genetics (formerly Invitae), Labcorp); PubMed 28855170 (cited by Labcorp Genetics (formerly Invitae), Labcorp); PubMed 32410215 (cited by Labcorp Genetics (formerly Invitae), Labcorp).

NM_000257.4(MYH7):c.2135G>A (p.Arg712His)

Gene: MYH7 (myosin heavy chain 7; minus strand). Cytogenetic location: 14q11.2.
Variant type: single nucleotide variant.
Coding change: c.2135G>A on transcript NM_000257.4 (MANE Select); coding-DNA position 2135, G replaced by A.
Protein change: p.Arg712His; replaces arginine 712 with histidine.
Molecular consequence: missense variant.
Genome position (GRCh38, 1-based): chr14:23,425,991, C>T on the plus strand (G>A on the coding strand, the complement: MYH7 is on the minus strand). VCF-style: chr14-23425991-C-T. GRCh37 (hg19) VCF-style: chr14-23895200-C-T.
Other names: c.2135G>A (NM_000257.2); short protein forms R712H.
Identifiers: ClinVar variation 575575 (VCV000575575.12), dbSNP rs1224554825, ClinGen allele CA389049058.